The following is an entry in ClinVar:

NM_000038.6(APC):c.7205A>G (p.Asn2402Ser)

Gene: APC (APC regulator of Wnt signaling pathway; plus strand). Cytogenetic location: 5q22.2.
Variant type: single nucleotide variant.
Coding change: c.7205A>G on transcript NM_000038.6 (MANE Select); coding-DNA position 7205, A replaced by G.
Protein change: p.Asn2402Ser; replaces asparagine 2402 with serine.
Molecular consequence: missense variant.
Genome position (GRCh38, 1-based): chr5:112,842,799, A>G. VCF-style: chr5-112842799-A-G. GRCh37 (hg19) VCF-style: chr5-112178496-A-G.
Other names: c.6902A>G, p.Asn2301Ser (NM_001354903.2); c.6827A>G, p.Asn2276Ser (NM_001354904.2); c.6725A>G, p.Asn2242Ser (NM_001354905.2); c.6356A>G, p.Asn2119Ser (NM_001354906.2); c.7205A>G, p.Asn2402Ser (NM_001127510.3, NM_001354895.2); c.7151A>G, p.Asn2384Ser (NM_001127511.3); c.7259A>G, p.Asn2420Ser (NM_001354896.2); c.7235A>G, p.Asn2412Ser (NM_001354897.2); and 5 more; short protein forms N2384S, N2402S, N2276S, N2301S, N2374S, N2412S, N2420S, N2311S.
Identifiers: ClinVar variation 419696 (VCV000419696.21), dbSNP rs745843442, ClinGen allele CA047217.
Genomic context (GRCh38, chr5:112,842,799, plus strand): 5'-CAGGTTTATCCAAGAATGCCAGTAGTATTCCAAGAAGTGAGTCTGCCTCCAAAGGACTAA[A>G]TCAGATGAATAATGGTAATGGAGCCAATAAAAAGGTAGAACTTTCTAGAATGTCTTCAAC-3'
Protein context (NP_000029.2, residues 2392-2412): PRSESASKGL[Asn2402Ser]QMNNGNGANK

ClinVar aggregate classification (germline): Uncertain significance. Review status: criteria provided, multiple submitters, no conflicts (2 of 4 stars). 5 submissions from 5 submitters: Uncertain significance (5). Last evaluated 2025-06-29.

Conditions:
Hereditary cancer-predisposing syndrome. Also called: Hereditary neoplastic syndrome; Tumor predisposition; Neoplastic Syndromes, Hereditary; Hereditary Cancer Syndrome. Identifiers: Orphanet 140162, MedGen C0027672, MeSH D009386, MONDO:0015356.
Familial adenomatous polyposis 1 (FAP1). Also called: FAMILIAL ADENOMATOUS POLYPOSIS 1, ATTENUATED; POLYPOSIS, ADENOMATOUS INTESTINAL. Identifiers: MedGen C2713442, MONDO:0021056, OMIM 175100. Disease mechanism: loss of function.

Allele frequency attached by ClinVar (database versions not stated): gnomAD 0.00001; gnomAD exomes 0.00001; TOPMed 0.00001; ExAC 0.00002.
gnomAD v4.1: 7 of 1,613,532 alleles (0.00043%); highest among the groups gnomAD compares: Non-Finnish European, 0.00059%; no homozygotes.

Submissions (5):

Labcorp Genetics (formerly Invitae), Labcorp
Classification: Uncertain significance for Familial adenomatous polyposis 1. Last evaluated: 2025-06-29. Review status: criteria provided, single submitter. Criteria: Invitae Variant Classification Sherloc (09022015). Collection method: clinical testing. Allele origin: germline.
Comment: This sequence change replaces asparagine, which is neutral and polar, with serine, which is neutral and polar, at codon 2402 of the APC protein (p.Asn2402Ser). This variant is present in population databases (rs745843442, gnomAD 0.002%). This variant has not been reported in the literature in individuals affected with APC-related conditions. ClinVar contains an entry for this variant (Variation ID: 419696). Invitae Evidence Modeling of protein sequence and biophysical properties (such as structural, functional, and spatial information, amino acid conservation, physicochemical variation, residue mobility, and thermodynamic stability) indicates that this missense variant is not expected to disrupt APC protein function with a negative predictive value of 95%. In summary, the available evidence is currently insufficient to determine the role of this variant in disease. Therefore, it has been classified as a Variant of Uncertain Significance.

Color Diagnostics, LLC DBA Color Health
Classification: Uncertain significance for Hereditary cancer-predisposing syndrome. Last evaluated: 2024-03-06. Review status: criteria provided, single submitter. Criteria: ACMG Guidelines, 2015. Collection method: clinical testing. Allele origin: germline.
Comment: This missense variant replaces asparagine with serine at codon 2402 of the APC protein. Computational prediction suggests that this variant may not impact protein structure and function (internally defined REVEL score threshold <= 0.5, PMID: 27666373). Splice site prediction tools suggest that this variant may not impact RNA splicing. To our knowledge, functional studies have not been performed for this variant. This variant has not been reported in individuals affected with hereditary cancer in the literature. This variant has been identified in 2/250110 chromosomes in the general population by the Genome Aggregation Database (gnomAD). The available evidence is insufficient to determine the role of this variant in disease conclusively. Therefore, this variant is classified as a Variant of Uncertain Significance.

Ambry Genetics
Classification: Uncertain significance for Hereditary cancer-predisposing syndrome. Last evaluated: 2024-01-16. Review status: criteria provided, single submitter. Criteria: Ambry Variant Classification Scheme 2023. Collection method: clinical testing. Allele origin: germline.
Comment: The p.N2402S variant (also known as c.7205A>G), located in coding exon 15 of the APC gene, results from an A to G substitution at nucleotide position 7205. The asparagine at codon 2402 is replaced by serine, an amino acid with highly similar properties. This amino acid position is well conserved in available vertebrate species. In addition, in silico predictors for this gene do not accurately predict pathogenicity. Since supporting evidence is limited at this time, the clinical significance of this alteration remains unclear.

PreventionGenetics, part of Exact Sciences
Classification: Uncertain significance. Last evaluated: 2017-04-20. Review status: criteria provided, single submitter. Criteria: ACMG Guidelines, 2015. Collection method: clinical testing. Allele origin: germline.

GeneDx
Classification: Uncertain significance. Last evaluated: 2015-08-20. Review status: criteria provided, single submitter. Criteria: GeneDx Variant Classification (06012015). Collection method: clinical testing. Allele origin: germline. Affected: yes.
Comment: This variant is denoted APC c.7205A>G at the cDNA level, p.Asn2402Ser (N2402S) at the protein level, and results in the change of an Asparagine to a Serine (AAT>AGT). This variant has not, to our knowledge, been published in the literature as pathogenic or benign. APC Asn2402Ser was not observed in approximately 6,500 individuals of European and African American ancestry in the NHLBI Exome Sequencing Project, indicating it is not a common benign variant in these populations. Since Asparagine and Serine share similar properties, this is considered a conservative amino acid substitution. APC Asn2402Ser occurs at a position that is conserved in mammals and is not located in a known functional domain (Azzopardi 2008, UniProt). In silico analyses are inconsistent regarding the effect this variant may have on protein structure and function. Based on currently available information, it is unclear whether APC Asn2402Ser is pathogenic or benign. We consider it to be a variant of uncertain significance.